The following is an entry in ClinVar:

NM_017802.4(DNAAF5):c.2152C>T (p.Arg718Ter)

Gene: DNAAF5 (dynein axonemal assembly factor 5; plus strand). Cytogenetic location: 7p22.3.
Variant type: single nucleotide variant.
Coding change: c.2152C>T on transcript NM_017802.4 (MANE Select); coding-DNA position 2152, C replaced by T.
Protein change: p.Arg718Ter; replaces arginine 718 with a stop codon.
Molecular consequence: nonsense. On other transcripts: non-coding transcript variant (1).
Genome position (GRCh38, 1-based): chr7:775,075, C>T. VCF-style: chr7-775075-C-T. GRCh37 (hg19) VCF-style: chr7-814712-C-T.
Other names: short protein forms R718*.
Identifiers: ClinVar variation 1786773 (VCV001786773.2), dbSNP rs1778714650, ClinGen allele CA366546284.
Genomic context (GRCh38, chr7:775,075, plus strand): 5'-GTGCAGGAAACACTGATGCCCCAGGTCCTGACCACCCTGGAGGAGGATTCGAAGATGACG[C>T]GACTGATCTCATGCCGTATTATCAACACGTTCTTAAAAACCTCGGGCGGCATGACGGATC-3'

ClinVar aggregate classification (germline): Pathogenic (1 of 4 stars; one submission).

Conditions:
Primary ciliary dyskinesia. Also called: Ciliary dyskinesia. Identifiers: Orphanet 244, MedGen C0008780, MONDO:0016575, HP:0012265.

Allele frequency attached by ClinVar (database versions not stated): gnomAD exomes 0.00001.
gnomAD v4.1: 7 of 1,613,978 alleles (0.00043%); highest among the groups gnomAD compares: East Asian, 0.0022%; no homozygotes.

Submission:

Ambry Genetics
Classification: Pathogenic for Primary ciliary dyskinesia. Last evaluated: 2018-11-11. Review status: criteria provided, single submitter. Criteria: Ambry Variant Classification Scheme 2023. Collection method: clinical testing. Allele origin: germline.
Comment: The p.R718* pathogenic mutation (also known as c.2152C>T), located in coding exon 11 of the DNAAF5 gene, results from a C to T substitution at nucleotide position 2152. This changes the amino acid from an arginine to a stop codon within coding exon 11. This alteration is expected to result in loss of function by premature protein truncation or nonsense-mediated mRNA decay. As such, this alteration is interpreted as a disease-causing mutation.